The following is an entry in ClinVar:

NM_003579.4(RAD54L):c.1888A>G (p.Lys630Glu)

Genes: LRRC41 (leucine rich repeat containing 41; minus strand), RAD54L (RAD54 like; plus strand). Cytogenetic location: 1p34.1.
Variant type: single nucleotide variant.
Coding change: c.1888A>G on transcript NM_003579.4 (MANE Select); coding-DNA position 1888, A replaced by G.
Protein change: p.Lys630Glu; replaces lysine 630 with glutamic acid.
Molecular consequence: missense variant. On other transcripts: 3 prime UTR variant (1).
Genome position (GRCh38, 1-based): chr1:46,277,835, A>G. VCF-style: chr1-46277835-A-G. GRCh37 (hg19) VCF-style: chr1-46743507-A-G.
Other names: c.*1030T>C (NM_006369.5); c.1888A>G, p.Lys630Glu (NM_001142548.2); c.1348A>G, p.Lys450Glu (NM_001370766.1); short protein forms K630E, K450E.
Identifiers: ClinVar variation 1782005 (VCV001782005.3), dbSNP rs764589480, ClinGen allele CA834763.

ClinVar aggregate classification (germline): Uncertain significance (1 of 4 stars; one submission).

Allele frequency attached by ClinVar (database versions not stated): gnomAD exomes below 0.00001; ExAC 0.00001; TOPMed 0.00001; gnomAD 0.00002.
gnomAD v4.1: 5 of 1,610,868 alleles (0.00031%); highest among the groups gnomAD compares: Non-Finnish European, 0.00042%; no homozygotes.

Submission:

Ambry Genetics
Classification: Uncertain significance. Last evaluated: 2024-03-30. Review status: criteria provided, single submitter. Criteria: Ambry Variant Classification Scheme 2023. Collection method: clinical testing. Allele origin: germline.
Comment: The p.K630E variant (also known as c.1888A>G), located in coding exon 17 of the RAD54L gene, results from an A to G substitution at nucleotide position 1888. The lysine at codon 630 is replaced by glutamic acid, an amino acid with similar properties. This amino acid position is conserved. In addition, this alteration is predicted to be deleterious by in silico analysis. Since supporting evidence is limited at this time, the clinical significance of this alteration remains unclear.